The following is an entry in ClinVar:

NM_006618.5(KDM5B):c.-9C>A

Genes: KDM5B (lysine demethylase 5B; minus strand), LOC129932250 (ATAC-STARR-seq lymphoblastoid silent region 1706; plus strand). Cytogenetic location: 1q32.1.
Variant type: single nucleotide variant.
Coding change: c.-9C>A on transcript NM_006618.5 (MANE Select); 9 bases upstream of the start codon, C replaced by A.
Molecular consequence: 5 prime UTR variant.
Genome position (GRCh38, 1-based): chr1:202,808,314, G>T on the plus strand (C>A on the coding strand, the complement: KDM5B is on the minus strand). VCF-style: chr1-202808314-G-T. GRCh37 (hg19) VCF-style: chr1-202777442-G-T.
Other names: c.-9C>A (NM_001314042.2, NM_001347591.2, NM_001399817.1).
Identifiers: ClinVar variation 3041133 (VCV003041133.2), dbSNP rs140228931, ClinGen allele CA35585541.

ClinVar aggregate classification (germline): Likely benign (0 of 4 stars; one submission).

Conditions:
KDM5B-related disorder. Also called: KDM5B-related condition.

gnomAD v4.1: 22 of 1,581,384 alleles (0.0014%); highest among the groups gnomAD compares: African/African-American, 0.028%; no homozygotes.

Submission:

PreventionGenetics, part of Exact Sciences
Classification: Likely benign for KDM5B-related condition. Last evaluated: 2019-09-18. Review status: no assertion criteria provided. Collection method: clinical testing. Allele origin: germline.
Comment: This variant is classified as likely benign based on ACMG/AMP sequence variant interpretation guidelines (Richards et al. 2015 PMID: 25741868, with internal and published modifications).